The following is an entry in ClinVar:

NM_138713.4(NFAT5):c.4330G>A (p.Ala1444Thr)

Gene: NFAT5 (nuclear factor of activated T cells 5; plus strand). Cytogenetic location: 16q22.1.
Variant type: single nucleotide variant.
Coding change: c.4330G>A on transcript NM_138713.4 (MANE Select); coding-DNA position 4330, G replaced by A.
Protein change: p.Ala1444Thr; replaces alanine 1444 with threonine.
Molecular consequence: missense variant.
Genome position (GRCh38, 1-based): chr16:69,694,155, G>A. VCF-style: chr16-69694155-G-A. GRCh37 (hg19) VCF-style: chr16-69728058-G-A.
Other names: c.4327G>A, p.Ala1443Thr (NM_001113178.3); c.3655G>A, p.Ala1219Thr (NM_001367709.1); c.4276G>A, p.Ala1426Thr (NM_006599.4); c.4048G>A, p.Ala1350Thr (NM_138714.4, NM_173214.3, NM_173215.3); short protein forms A1219T, A1426T, A1444T, A1350T, A1443T.
Identifiers: ClinVar variation 1461041 (VCV001461041.6), dbSNP rs1227168530, ClinGen allele CA396515559.

ClinVar aggregate classification (germline): Uncertain significance (1 of 4 stars; one submission).

Conditions:
Immunodeficiency. Identifiers: MedGen C0021051, MONDO:0021094, HP:0002721.

Allele frequency attached by ClinVar (database versions not stated): TOPMed below 0.00001.

Submission:

Labcorp Genetics (formerly Invitae), Labcorp
Classification: Uncertain significance for Immunodeficiency. Last evaluated: 2025-08-09. Review status: criteria provided, single submitter. Criteria: Invitae Variant Classification Sherloc (09022015). Collection method: clinical testing. Allele origin: germline.
Comment: This sequence change replaces alanine, which is neutral and non-polar, with threonine, which is neutral and polar, at codon 1350 of the NFAT5 protein (p.Ala1350Thr). This variant is not present in population databases (gnomAD no frequency). This variant has not been reported in the literature in individuals affected with NFAT5-related conditions. ClinVar contains an entry for this variant (Variation ID: 1461041). An algorithm developed to predict the effect of missense changes on protein structure and function outputs the following: PolyPhen-2: "Benign". The threonine amino acid residue is found in multiple mammalian species, which suggests that this missense change does not adversely affect protein function. In summary, the available evidence is currently insufficient to determine the role of this variant in disease. Therefore, it has been classified as a Variant of Uncertain Significance.